The following is an entry in ClinVar:

ClinVar aggregate classification (germline): Uncertain significance (1 of 4 stars; one submission).

Submission:

Labcorp Genetics (formerly Invitae), Labcorp
Classification: Uncertain significance. Last evaluated: 2021-06-03. Review status: criteria provided, single submitter. Criteria: Invitae Variant Classification Sherloc (09022015). Collection method: clinical testing. Allele origin: germline.
Comment: In summary, the available evidence is currently insufficient to determine the role of this variant in disease. Therefore, it has been classified as a Variant of Uncertain Significance. This variant has not been reported in the literature in individuals with BCL11B-related conditions. A gross deletion of the genomic region encompassing the full coding sequence of the BCL11B gene has been identified. The current clinical and genetic evidence is not sufficient to establish whether loss-of-function variants in BCL11B cause disease. The boundaries of this event are unknown as they extend beyond the assayed region for this gene and therefore may encompass additional genes.

NC_000014.8:g.(?_99640488)_(99737555_?)del

Gene: BCL11B (BCL11 transcription factor B; minus strand). Cytogenetic location: 14q32.2.
Variant type: Deletion.
Identifiers: ClinVar variation 1450382 (VCV001450382.4).